The following is an entry in ClinVar:

NM_182961.4(SYNE1):c.18615A>G (p.Thr6205=)

Gene: SYNE1 (spectrin repeat containing nuclear envelope protein 1; minus strand). Cytogenetic location: 6q25.2.
Variant type: single nucleotide variant.
Coding change: c.18615A>G on transcript NM_182961.4 (MANE Select); coding-DNA position 18615, A replaced by G.
Protein change: p.Thr6205=; no amino-acid change (threonine 6205 retained).
Molecular consequence: synonymous variant.
Genome position (GRCh38, 1-based): chr6:152,269,245, T>C on the plus strand (A>G on the coding strand, the complement: SYNE1 is on the minus strand). VCF-style: chr6-152269245-T-C. GRCh37 (hg19) VCF-style: chr6-152590380-T-C.
Other names: c.18402A>G, p.Thr6134= (NM_033071.5).
Identifiers: ClinVar variation 355848 (VCV000355848.13), dbSNP rs552884641, ClinGen allele CA4054910.
Genomic context (GRCh38, chr6:152,269,245, plus strand): 5'-CTGGGTCCATGTGGTGCGAGCTTGGGCCAGCCATTCCTGGACGCCGGGGCTCTGCGTGGC[T>C]GTTAGGTCAACATCGCTCTCCTCCTTCTCCTGTGCTGTTCCCTGCTTTTAACGAGGCAGA-3'
Protein context (NP_892006.3, residues 6195-6215): QEKEESDVDL[Thr6205=]ATQSPGVQEW

ClinVar aggregate classification (germline): Conflicting classifications of pathogenicity. Review status: criteria provided, conflicting classifications (1 of 4 stars). 3 submissions from 2 submitters: Uncertain significance (1); Benign (1); Likely benign (1). Last evaluated 2025-07-22.

Conditions:
Autosomal recessive ataxia, Beauce type. Also called: SYNE1 Deficiency; SYNE1-Related Autosomal Recessive Cerebellar Ataxia; Spinocerebellar ataxia, autosomal recessive 8; ATAXIA, RECESSIVE, OF BEAUCE. Identifiers: Orphanet 88644, MedGen C1853116, MONDO:0012549, OMIM 610743.
Emery-Dreifuss muscular dystrophy 4, autosomal dominant (EDMD4). Also called: EMERY-DREIFUSS MUSCULAR DYSTROPHY 4 WITH VARIABLE FEATURES. Identifiers: Orphanet 261, MedGen C2751807, MONDO:0013071, OMIM 612998.

Allele frequency attached by ClinVar (database versions not stated): gnomAD 0.00001 and 0.00002; gnomAD exomes 0.00001 and 0.00006; ExAC 0.00003; TOPMed 0.00005; 1000 Genomes Project 30x 0.00016; 1000 Genomes Project 0.00020.
gnomAD v4.1: 22 of 1,614,204 alleles (0.0014%); highest among the groups gnomAD compares: East Asian, 0.029%; no homozygotes.

Submissions (3):

Labcorp Genetics (formerly Invitae), Labcorp
Classification: Likely benign for Emery-Dreifuss muscular dystrophy 4, autosomal dominant; Autosomal recessive ataxia, Beauce type. Last evaluated: 2025-07-22. Review status: criteria provided, single submitter. Criteria: Invitae Variant Classification Sherloc (09022015). Collection method: clinical testing. Allele origin: germline.

Illumina Laboratory Services, Illumina
Classification: Benign for Emery-Dreifuss muscular dystrophy 4, autosomal dominant. Last evaluated: 2018-01-13. Review status: criteria provided, single submitter. Criteria: ICSL Variant Classification Criteria 13 December 2019. Collection method: clinical testing. Allele origin: germline.
Comment: This variant was observed in the ICSL laboratory as part of a predisposition screen in an ostensibly healthy population. It had not been previously curated by ICSL or reported in the Human Gene Mutation Database (HGMD: prior to June 1st, 2018), and was therefore a candidate for classification through an automated scoring system. Utilizing variant allele frequency, disease prevalence and penetrance estimates, and inheritance mode, an automated score was calculated to assess if this variant is too frequent to cause the disease. Based on the score and internal cut-off values, a variant classified as benign is not then subjected to further curation. The score for this variant resulted in a classification of benign for this disease.

Illumina Laboratory Services, Illumina
Classification: Uncertain significance for Autosomal recessive ataxia, Beauce type. Last evaluated: 2018-01-13. Review status: criteria provided, single submitter. Criteria: ICSL Variant Classification Criteria 13 December 2019. Collection method: clinical testing. Allele origin: germline.